The following is an entry in ClinVar:

ClinVar aggregate classification (germline): Uncertain significance. Review status: criteria provided, multiple submitters, no conflicts (2 of 4 stars). 3 submissions from 3 submitters: Uncertain significance (2). 1 of the submissions does not count toward it. Last evaluated 2024-04-11.

Conditions:
Autosomal dominant nonsyndromic hearing loss 11. Identifiers: Orphanet 90635, MedGen C1832475, MONDO:0011032, OMIM 601317.
Autosomal recessive nonsyndromic hearing loss 2. Also called: DEAFNESS, AUTOSOMAL RECESSIVE 2; NEUROSENSORY NONSYNDROMIC RECESSIVE DEAFNESS 2. Identifiers: Orphanet 90636, MedGen C1838701, MONDO:0010807, OMIM 600060.
Usher syndrome type 1 (USH1). Also called: RETINITIS PIGMENTOSA AND CONGENITAL DEAFNESS. Identifiers: Orphanet 231169, Orphanet 886, MedGen C1568247, MONDO:0010168, OMIM 276900.

Submissions (3):

Fulgent Genetics
Classification: Uncertain significance for Usher syndrome type 1; Autosomal recessive nonsyndromic hearing loss 2; Autosomal dominant nonsyndromic hearing loss 11. Last evaluated: 2024-04-11. Review status: criteria provided, single submitter. Criteria: ACMG Guidelines, 2015. Collection method: clinical testing. Allele origin: germline.

GeneDx
Classification: Uncertain significance. Last evaluated: 2022-05-21. Review status: criteria provided, single submitter. Criteria: GeneDx Variant Classification Process June 2021. Collection method: clinical testing. Allele origin: germline. Affected: yes.
Comment: Not observed at significant frequency in large population cohorts (gnomAD); In silico analysis supports a deleterious effect on protein structure/function; This variant is associated with the following publications: (PMID: 21436283, 10930322)

Counsyl
Classification: Uncertain significance for Usher syndrome type 1; Autosomal recessive nonsyndromic hearing loss 2. Last evaluated: 2018-03-20. Review status: no assertion criteria provided. Collection method: clinical testing. Allele origin: unknown. Not counted in ClinVar's aggregate classification.

Literature cited by the submitters: PubMed 21436283 (cited by Counsyl); PubMed 10930322 (cited by Counsyl); PubMed 27460420 (cited by Counsyl).

NM_000260.4(MYO7A):c.4033TTC[1] (p.Phe1346del)

Gene: MYO7A (myosin VIIA; plus strand). Cytogenetic location: 11q13.5.
Variant type: Microsatellite.
Coding change: c.4033TTC[1] on transcript NM_000260.4 (MANE Select); one copy of the 3-base unit TTC starting at c.4033; the reference has two copies in a row; one copy, 3 bases deleted; also written c.4036_4038del.
Protein change: p.Phe1346del; deletes phenylalanine 1346.
Molecular consequence: inframe deletion.
Genome position (GRCh38, 1-based): chr11:77,192,162-77,192,164, TTC deleted; deleting any 3 consecutive bases within chr11:77,192,157-77,192,164 gives the same sequence; the position shown is the placement nearest the transcript's 3' end. VCF-style (leftmost placement, unchanged base first): chr11-77192156-CTCT-C. GRCh37 (hg19) VCF-style: chr11-76903201-CTCT-C.
Other names: c.4036_4038delTTC (NM_000260.3); c.4036_4038del (NM_000260.4); c.4033TTC[1], p.Phe1346del (NM_001127180.2); c.4000TTC[1], p.Phe1335del (NM_001369365.1); short protein forms F1346del, F1335del.
Identifiers: ClinVar variation 557280 (VCV000557280.4), dbSNP rs1437625274, ClinGen allele CA658822311.
Genomic context (GRCh38, chr11:77,192,156, plus strand): 5'-TCCCAGTGCGAGCAGTACGCCAAGGAGCAGGGCGCCCAGGAGCGCAACGCCCCCTGGAGG[CTCT>C]TCTTCCGCAAAGAGGTCTTCACGCCCTGGCACAGCCCCTCCGAGGACAACGTGGCCACCA-3'